The following is an entry in ClinVar:

NM_207361.6(FREM2):c.7294C>T (p.Arg2432Trp)

Gene: FREM2 (FRAS1 related extracellular matrix 2; plus strand). Cytogenetic location: 13q13.3.
Variant type: single nucleotide variant.
Coding change: c.7294C>T on transcript NM_207361.6 (MANE Select); coding-DNA position 7294, C replaced by T.
Protein change: p.Arg2432Trp; replaces arginine 2432 with tryptophan.
Molecular consequence: missense variant.
Genome position (GRCh38, 1-based): chr13:38,859,365, C>T. VCF-style: chr13-38859365-C-T. GRCh37 (hg19) VCF-style: chr13-39433502-C-T.
Other names: c.7294C>T (NM_207361.4); short protein forms R2432W.
Identifiers: ClinVar variation 2178912 (VCV002178912.4), dbSNP rs141120365, ClinGen allele CA6955821.

ClinVar aggregate classification (germline): Uncertain significance. Review status: criteria provided, multiple submitters, no conflicts (2 of 4 stars). 4 submissions from 4 submitters: Uncertain significance (4). Last evaluated 2024-10-07.

Conditions:
Inborn genetic diseases. Identifiers: MedGen C0950123, MeSH D030342.
Fraser syndrome 2 (FRASRS2). Identifiers: MedGen C4540036, MONDO:0054738, OMIM 617666.
Isolated cryptophthalmia. Also called: Cryptophthalmos, unilateral or bilateral, isolated; ANKYLOBLEPHARON, SIMPLE. Identifiers: Orphanet 91396, MedGen C1852453, MONDO:0007410, OMIM 123570.

Allele frequency attached by ClinVar (database versions not stated): ExAC 0.00005; gnomAD 0.00006; gnomAD exomes 0.00006; TOPMed 0.00006; ESP Exome Variant Server 0.00015.
gnomAD v4.1: 101 of 1,614,052 alleles (0.0063%); highest among the groups gnomAD compares: Non-Finnish European, 0.008%; 1 homozygote.

Submissions (4):

Blueprint Genetics
Classification: Uncertain significance. Last evaluated: 2024-10-07. Review status: criteria provided, single submitter. Criteria: ACMG Guidelines, 2015. Collection method: clinical testing. Allele origin: germline.

Fulgent Genetics
Classification: Uncertain significance for Isolated cryptophthalmia; Fraser syndrome 2. Last evaluated: 2024-06-11. Review status: criteria provided, single submitter. Criteria: ACMG Guidelines, 2015. Collection method: clinical testing. Allele origin: germline.

Labcorp Genetics (formerly Invitae), Labcorp
Classification: Uncertain significance. Last evaluated: 2022-06-20. Review status: criteria provided, single submitter. Criteria: Invitae Variant Classification Sherloc (09022015). Collection method: clinical testing. Allele origin: germline.
Comment: This sequence change replaces arginine, which is basic and polar, with tryptophan, which is neutral and slightly polar, at codon 2432 of the FREM2 protein (p.Arg2432Trp). This variant is present in population databases (rs141120365, gnomAD 0.01%). This variant has not been reported in the literature in individuals affected with FREM2-related conditions. Algorithms developed to predict the effect of missense changes on protein structure and function are either unavailable or do not agree on the potential impact of this missense change (SIFT: "Deleterious"; PolyPhen-2: "Benign"; Align-GVGD: "Class C0"). In summary, the available evidence is currently insufficient to determine the role of this variant in disease. Therefore, it has been classified as a Variant of Uncertain Significance.

Ambry Genetics
Classification: Uncertain significance for Inborn genetic diseases. Last evaluated: 2022-01-26. Review status: criteria provided, single submitter. Criteria: Ambry Variant Classification Scheme 2023. Collection method: clinical testing. Allele origin: germline.